The following is an entry in ClinVar:

ClinVar aggregate classification (germline): Uncertain significance. Review status: criteria provided, multiple submitters, no conflicts (2 of 4 stars). 4 submissions from 4 submitters: Uncertain significance (4). Last evaluated 2026-10-01.

Conditions:
Hereditary cancer-predisposing syndrome. Also called: Hereditary neoplastic syndrome; Tumor predisposition; Neoplastic Syndromes, Hereditary; Hereditary Cancer Syndrome. Identifiers: Orphanet 140162, MedGen C0027672, MeSH D009386, MONDO:0015356.
Colorectal cancer, susceptibility to, 12 (CRCS12). Also called: COLORECTAL CANCER, SUSCEPTIBILITY TO, ON CHROMOSOME 12q24. Identifiers: Orphanet 220460, MedGen C3554460, MONDO:0014038, OMIM 615083.

Allele frequency attached by ClinVar (database versions not stated): TOPMed 0.00002; gnomAD 0.00005.
gnomAD v4.1: 12 of 1,612,882 alleles (0.00074%); highest among the groups gnomAD compares: Admixed American, 0.02%; 1 homozygote.

Submissions (4):

St. Jude Molecular Pathology, St. Jude Children's Research Hospital
Classification: Uncertain significance for Colorectal cancer, susceptibility to, 12. Last evaluated: 2026-10-01. Review status: criteria provided, single submitter. Criteria: St. Jude Assertion Criteria 2020. Collection method: clinical testing. Allele origin: germline.
Comment: The POLE c.4157G>C p.(Arg1386Pro) missense change has a maximum subpopulation frequency of 0.006% in gnomAD v2.1.1. The in silico tool REVEL predicts a deleterious effect on protein function, but to our knowledge this prediction has not been confirmed by functional studies. To our knowledge, this variant has not been reported in the literature in individuals with POLE-related disease. In summary, the evidence currently available is insufficient to determine the clinical significance of this variant. It has therefore been classified as of uncertain significance.

Ambry Genetics
Classification: Uncertain significance for Hereditary cancer-predisposing syndrome. Last evaluated: 2026-07-29. Review status: criteria provided, single submitter. Criteria: Ambry Variant Classification Scheme 2023. Collection method: clinical testing. Allele origin: germline.

Labcorp Genetics (formerly Invitae), Labcorp
Classification: Uncertain significance. Last evaluated: 2026-01-10. Review status: criteria provided, single submitter. Criteria: Invitae Variant Classification Sherloc (09022015). Collection method: clinical testing. Allele origin: germline.
Comment: This sequence change replaces arginine, which is basic and polar, with proline, which is neutral and non-polar, at codon 1386 of the POLE protein (p.Arg1386Pro). This variant is present in population databases (no rsID available, gnomAD 0.003%). This variant has not been reported in the literature in individuals affected with POLE-related conditions. ClinVar contains an entry for this variant (Variation ID: 473651). Invitae Evidence Modeling of protein sequence and biophysical properties (such as structural, functional, and spatial information, amino acid conservation, physicochemical variation, residue mobility, and thermodynamic stability) indicates that this missense variant is expected to disrupt POLE protein function with a positive predictive value of 80%. In summary, the available evidence is currently insufficient to determine the role of this variant in disease. Therefore, it has been classified as a Variant of Uncertain Significance.

GeneDx
Classification: Uncertain significance. Last evaluated: 2020-08-03. Review status: criteria provided, single submitter. Criteria: GeneDx Variant Classification Process June 2021. Collection method: clinical testing. Allele origin: germline. Affected: yes.
Comment: Not observed at a significant frequency in large population cohorts (Lek 2016); In silico analysis supports that this missense variant has a deleterious effect on protein structure/function; Has not been previously published as pathogenic or benign to our knowledge

NM_006231.4(POLE):c.4157G>C (p.Arg1386Pro)

Gene: POLE (DNA polymerase epsilon, catalytic subunit; minus strand). Cytogenetic location: 12q24.33.
Variant type: single nucleotide variant.
Coding change: c.4157G>C on transcript NM_006231.4 (MANE Select); coding-DNA position 4157, G replaced by C.
Protein change: p.Arg1386Pro; replaces arginine 1386 with proline.
Molecular consequence: missense variant.
Genome position (GRCh38, 1-based): chr12:132,643,970, C>G on the plus strand (G>C on the coding strand, the complement: POLE is on the minus strand). VCF-style: chr12-132643970-C-G. GRCh37 (hg19) VCF-style: chr12-133220556-C-G.
Other names: short protein forms R1386P.
Identifiers: ClinVar variation 473651 (VCV000473651.16), dbSNP rs969355093, ClinGen allele CA246305246.